The following is an entry in ClinVar:

NM_003865.3(HESX1):c.509C>T (p.Ser170Leu)

Gene: HESX1 (HESX homeobox 1; minus strand). Cytogenetic location: 3p14.3.
Variant type: single nucleotide variant.
Coding change: c.509C>T on transcript NM_003865.3 (MANE Select); coding-DNA position 509, C replaced by T.
Protein change: p.Ser170Leu; replaces serine 170 with leucine.
Molecular consequence: missense variant.
Genome position (GRCh38, 1-based): chr3:57,198,246, G>A on the plus strand (C>T on the coding strand, the complement: HESX1 is on the minus strand). VCF-style: chr3-57198246-G-A. GRCh37 (hg19) VCF-style: chr3-57232274-G-A.
Other names: c.509C>T (NM_003865.2); short protein forms S170L.
Identifiers: ClinVar variation 7692 (VCV000007692.13), dbSNP rs28936703, ClinGen allele CA119000.
Genomic context (GRCh38, chr3:57,198,246, plus strand): 5'-TAGTTTTCTATCTATTCCAGCAGATTTGTGTTGAAATTTTTTTTCGCCATTAGAAACTGT[G>A]ATTCTCTATGGGACCTTTTCAGTTTTGCACGCCGATTTTGAAACCAAATCTAAAGTTAAG-3'
Protein context (NP_003856.1, residues 160-180): RAKLKRSHRE[Ser170Leu]QFLMAKKNFN

ClinVar aggregate classification (germline): Conflicting classifications of pathogenicity. Review status: criteria provided, conflicting classifications (1 of 4 stars). 5 submissions from 5 submitters: Likely pathogenic (1); Uncertain significance (3). 1 of the submissions does not count toward it. Last evaluated 2026-04-18.

Conditions:
HESX1-related disorder. Also called: HESX1-related condition.
GROWTH HORMONE DEFICIENCY WITH PITUITARY ANOMALIES. Identifiers: MedGen C2750027, OMIM 182230.
Septo-optic dysplasia sequence (SOD). Also called: Septo-optic dysplasia; DE MORSIER SYNDROME. Identifiers: Orphanet 3157, MedGen C0338503, MONDO:0008428, OMIM 182230, HP:0100842.
SEPTOOPTIC DYSPLASIA, MILD. Identifiers: MedGen C4016761.

Allele frequency attached by ClinVar (database versions not stated): gnomAD 0.00001; ExAC 0.00002; TOPMed 0.00002; gnomAD exomes 0.00004; 1000 Genomes Project 30x 0.00016; 1000 Genomes Project 0.00020.
gnomAD v4.1: 98 of 1,613,136 alleles (0.0061%); highest among the groups gnomAD compares: Non-Finnish European, 0.0078%; no homozygotes.

Submissions (5):

PreventionGenetics, part of Exact Sciences
Classification: Likely pathogenic for HESX1-related condition. Last evaluated: 2026-04-18. Review status: criteria provided, single submitter. Criteria: ACMG Guidelines, 2015. Collection method: clinical testing. Allele origin: germline.
Comment: The HESX1 c.509C>T variant is predicted to result in the amino acid substitution p.Ser170Leu. This variant was reported in multiple heterozygous individuals with isolated growth hormone deficiency, one of whom also had optic hypoplasia (Parks et al 1999. PubMed ID: 10599689; Brickman et al. 2001. PubMed ID: 11748154). This variant was also reported in a heterozygous individual with ventriculomegaly, partial agenesis of the corpus collosum, cavum septum pellucidum, adrenal gland agenesis, aplasia/hypoplasia of the optic tract, and optic nerve aplasia (Marangoni et al. 2021. PubMed ID: 34906519). Results of DNA binding assays suggest the p.Ser170Leu variant in heterozygous individuals is functionally compromised (Thomas et al. 2001. PubMed ID: 11136712; Brickman et al. 2001. PubMed ID: 11748154). This variant is reported in 0.0070% of alleles in individuals of European (Non-Finnish) descent in gnomAD. This variant is interpreted as likely pathogenic.

Labcorp Genetics (formerly Invitae), Labcorp
Classification: Uncertain significance for GROWTH HORMONE DEFICIENCY WITH PITUITARY ANOMALIES; Septo-optic dysplasia sequence. Last evaluated: 2025-02-24. Review status: criteria provided, single submitter. Criteria: Invitae Variant Classification Sherloc (09022015). Collection method: clinical testing. Allele origin: germline.
Comment: This sequence change replaces serine, which is neutral and polar, with leucine, which is neutral and non-polar, at codon 170 of the HESX1 protein (p.Ser170Leu). This variant is present in population databases (rs28936703, gnomAD 0.006%). This missense change has been observed in individual(s) with clinical features of autosomal dominant septo-optic dysplasia (PMID: 11136712, 11748154, 17148560, 34906519). ClinVar contains an entry for this variant (Variation ID: 7692). An algorithm developed to predict the effect of missense changes on protein structure and function (PolyPhen-2) suggests that this variant is likely to be disruptive. Experimental studies have shown that this missense change affects HESX1 function (PMID: 11136712, 11748154). In summary, the available evidence is currently insufficient to determine the role of this variant in disease. Therefore, it has been classified as a Variant of Uncertain Significance.

University of Washington Department of Laboratory Medicine, University of Washington
Classification: Uncertain significance for Septo-optic dysplasia sequence. Last evaluated: 2023-10-10. Review status: criteria provided, single submitter. Criteria: ACMG Guidelines, 2015. Collection method: clinical testing. Allele origin: maternal. Affected: yes.
Comment: The p.Ser170Leu variant in the HESX1 gene has been previously reported in multiple unrelated individuals with clinical features of autosomal dominant HESX1-related disorders, including isolated growth hormone deficiency (Parks 1999, Brickman 2001, Thomas 2001). The p.Ser170Leu variant has been submitted to ClinVar (Variation ID: 7692), and has been identified in 9/251076 (v4.0.0: 98/1613136) chromosomes by the Genome Aggregation Database. This allele frequency is low enough to be consistent with a milder hypomorphic allele. In silico tools predict that the p.Ser170Leu variant is deleterious. Functional studies of this variant are supportive of a deleterious effect to the protein; however, it is unclear if this would be sufficient to be disease-causing (Brickman 2001, Thomas 2001). Using ACMG guidelines, this variant was classified as a variant of uncertain significance (ACMG evidence codes used: PS3_moderate, PS4_supporting).

Eurofins Ntd Llc (ga)
Classification: Uncertain significance. Last evaluated: 2017-10-26. Review status: criteria provided, single submitter. Criteria: EGL Classification Definitions 2015. Collection method: clinical testing. Allele origin: germline. Observed: 1 variant allele, 1 heterozygote.

OMIM
Classification: Pathogenic for SEPTOOPTIC DYSPLASIA, MILD. Last evaluated: 2001-01-01. Review status: no assertion criteria provided. Collection method: literature only. Allele origin: germline. Not counted in ClinVar's aggregate classification.

Literature cited by the submitters: PubMed 11136712 (cited by 3 submitters); PubMed 11748154 (cited by Labcorp Genetics (formerly Invitae), Labcorp and Eurofins Ntd Llc (ga)); PubMed 17148560 (cited by Labcorp Genetics (formerly Invitae), Labcorp); PubMed 34906519 (cited by Labcorp Genetics (formerly Invitae), Labcorp); PubMed 10599689 (cited by Eurofins Ntd Llc (ga)).